The following is an entry in ClinVar:

NM_001849.4(COL6A2):c.763C>A (p.Pro255Thr)

Gene: COL6A2 (collagen type VI alpha 2 chain; plus strand). Cytogenetic location: 21q22.3.
Variant type: single nucleotide variant.
Coding change: c.763C>A on transcript NM_001849.4 (MANE Select); coding-DNA position 763, C replaced by A.
Protein change: p.Pro255Thr; replaces proline 255 with threonine.
Molecular consequence: missense variant.
Genome position (GRCh38, 1-based): chr21:46,114,035, C>A. VCF-style: chr21-46114035-C-A. GRCh37 (hg19) VCF-style: chr21-47533949-C-A.
Other names: c.763C>A, p.Pro255Thr (NM_058174.3, NM_058175.3); short protein forms P255T.
Identifiers: ClinVar variation 4535796 (VCV004535796.1).
Genomic context (GRCh38, chr21:46,114,035, plus strand): 5'-ATGCAACCTTCTGTCTCTGCTTCCTCGTTTCAGTGCTACAAGGTGAGCTGCCTGGAAATC[C>A]CTGGGCCCTCTGGCCCCAAGGGCTACCGTGGACAGAAGGTAAGATGCCCAGATTACCTGC-3'
Protein context (NP_001840.3, residues 245-265): ECYKVSCLEI[Pro255Thr]GPSGPKGYRG

ClinVar aggregate classification (germline): Uncertain significance (1 of 4 stars; one submission).

gnomAD v4.1: 2 of 1,613,810 alleles (0.00012%); highest among the groups gnomAD compares: Admixed American, 0.0033%; no homozygotes.

Submission:

Women's Health and Genetics/Laboratory Corporation of America, LabCorp
Classification: Uncertain significance. Last evaluated: 2025-09-04. Review status: criteria provided, single submitter. Criteria: LabCorp Variant Classification Summary - May 2015. Collection method: clinical testing. Allele origin: germline.
Comment: Variant summary: COL6A2 c.763C>A (p.Pro255Thr) results in a non-conservative amino acid change in the encoded protein sequence. Algorithms developed to predict the effect of missense changes on protein structure and function all suggest that this variant is likely to be disruptive. The variant allele was found at a frequency of 4e-06 in 251276 control chromosomes. The available data on variant occurrences in the general population are insufficient to allow any conclusion about variant significance. To our knowledge, no occurrence of c.763C>A in individuals affected with COL6A2-related conditions and no experimental evidence demonstrating its impact on protein function have been reported. No submitters have cited clinical-significance assessments for this variant to ClinVar. Based on the evidence outlined above, the variant was classified as uncertain significance.